The following is an entry in ClinVar:

ClinVar aggregate classification (germline): Uncertain significance (1 of 4 stars; one submission).

Conditions:
Autosomal recessive early-onset Parkinson disease 6 (PARK6). Also called: PARKINSON DISEASE 6, EARLY-ONSET; PINK1 Type of Young-Onset Parkinson Disease; PINK1-Related Parkinson Disease; PARKINSON DISEASE 6, MODIFIER OF. Identifiers: Orphanet 2828, MedGen C1853833, MONDO:0011613, OMIM 605909.

Allele frequency attached by ClinVar (database versions not stated): gnomAD 0.00001; gnomAD exomes 0.00001; 1000 Genomes Project 30x 0.00016; 1000 Genomes Project 0.00020.
gnomAD v4.1: 9 of 1,614,218 alleles (0.00056%); highest among the groups gnomAD compares: South Asian, 0.0099%; no homozygotes.

Submission:

Labcorp Genetics (formerly Invitae), Labcorp
Classification: Uncertain significance for Autosomal recessive early-onset Parkinson disease 6. Last evaluated: 2024-12-02. Review status: criteria provided, single submitter. Criteria: Invitae Variant Classification Sherloc (09022015). Collection method: clinical testing. Allele origin: germline.
Comment: This sequence change replaces serine, which is neutral and polar, with leucine, which is neutral and non-polar, at codon 301 of the PINK1 protein (p.Ser301Leu). This variant is not present in population databases (gnomAD no frequency). This variant has not been reported in the literature in individuals affected with PINK1-related conditions. ClinVar contains an entry for this variant (Variation ID: 1479260). Invitae Evidence Modeling of protein sequence and biophysical properties (such as structural, functional, and spatial information, amino acid conservation, physicochemical variation, residue mobility, and thermodynamic stability) indicates that this missense variant is not expected to disrupt PINK1 protein function with a negative predictive value of 95%. In summary, the available evidence is currently insufficient to determine the role of this variant in disease. Therefore, it has been classified as a Variant of Uncertain Significance.

NM_032409.3(PINK1):c.902C>T (p.Ser301Leu)

Genes: PINK1-AS (PINK1 antisense RNA; minus strand), PINK1 (PTEN induced kinase 1; plus strand). Cytogenetic location: 1p36.12.
Variant type: single nucleotide variant.
Coding change: c.902C>T on transcript NM_032409.3 (MANE Select); coding-DNA position 902, C replaced by T.
Protein change: p.Ser301Leu; replaces serine 301 with leucine.
Molecular consequence: missense variant.
Genome position (GRCh38, 1-based): chr1:20,644,615, C>T. VCF-style: chr1-20644615-C-T. GRCh37 (hg19) VCF-style: chr1-20971108-C-T.
Other names: short protein forms S301L.
Identifiers: ClinVar variation 1479260 (VCV001479260.6), dbSNP rs570833319, ClinGen allele CA18955606.